The following is an entry in ClinVar:

NM_004115.4(FGF14):c.598C>A (p.Pro200Thr)

Gene: FGF14 (fibroblast growth factor 14; minus strand). Cytogenetic location: 13q33.1.
Variant type: single nucleotide variant.
Coding change: c.598C>A on transcript NM_004115.4 (MANE Select); coding-DNA position 598, C replaced by A.
Protein change: p.Pro200Thr; replaces proline 200 with threonine.
Molecular consequence: missense variant.
Genome position (GRCh38, 1-based): chr13:101,726,621, G>T on the plus strand (C>A on the coding strand, the complement: FGF14 is on the minus strand). VCF-style: chr13-101726621-G-T. GRCh37 (hg19) VCF-style: chr13-102378971-G-T.
Other names: c.346C>A, p.Pro116Thr (NM_001321931.1, NM_001321934.1, NM_001321935.1 and 4 more transcripts); c.409C>A, p.Pro137Thr (NM_001321932.1, NM_001321936.1, NM_001321944.1); c.418C>A, p.Pro140Thr (NM_001321933.1, NM_001321938.2, NM_001321940.1); c.502C>A, p.Pro168Thr (NM_001321939.2); c.412C>A, p.Pro138Thr (NM_001321941.2); c.496C>A, p.Pro166Thr (NM_001321945.2, NM_001321948.2, NM_001379342.1); c.457C>A, p.Pro153Thr (NM_001321947.2); c.613C>A, p.Pro205Thr (NM_175929.3); short protein forms P116T, P137T, P138T, P140T, P153T, P166T, P168T, P200T.
Identifiers: ClinVar variation 4282049 (VCV004282049.1).
Genomic context (GRCh38, chr13:101,726,621, plus strand): 5'-AATAAAATATGTAATAAGTCTATGTAATAATAATGCATGCATAATACTCACCTTCCAATG[G>T]CTTGGGTAGAAAATGAGCTGCTGGTTTGGTTTTCTTTACTCTGTTCCCTTTCATAGCTTG-3'
Protein context (NP_004106.1, residues 190-210): TKPAAHFLPK[Pro200Thr]LEVAMYREPS

ClinVar aggregate classification (germline): Uncertain significance (1 of 4 stars; one submission).

Submission:

GeneDx
Classification: Uncertain significance. Last evaluated: 2025-04-11. Review status: criteria provided, single submitter. Criteria: GeneDx Variant Classification Process June 2021. Collection method: clinical testing. Allele origin: germline. Affected: yes.
Comment: Not observed at significant frequency in large population cohorts (gnomAD); In silico analysis supports that this missense variant has a deleterious effect on protein structure/function; Has not been previously published as pathogenic or benign to our knowledge